The following is an entry in ClinVar:

NM_000127.3(EXT1):c.208C>T (p.Gln70Ter)

Gene: EXT1 (exostosin glycosyltransferase 1; minus strand). Cytogenetic location: 8q24.11.
Variant type: single nucleotide variant.
Coding change: c.208C>T on transcript NM_000127.3 (MANE Select); coding-DNA position 208, C replaced by T.
Protein change: p.Gln70Ter; replaces glutamine 70 with a stop codon.
Molecular consequence: nonsense.
Genome position (GRCh38, 1-based): chr8:118,110,839, G>A on the plus strand (C>T on the coding strand, the complement: EXT1 is on the minus strand). VCF-style: chr8-118110839-G-A. GRCh37 (hg19) VCF-style: chr8-119123078-G-A.
Other names: short protein forms Q70*.
Identifiers: ClinVar variation 851212 (VCV000851212.9), dbSNP rs1817887343, ClinGen allele CA371916371.

ClinVar aggregate classification (germline): Pathogenic (1 of 4 stars; one submission).

Conditions:
Multiple congenital exostosis (EXT). Also called: MULTIPLE CARTILAGINOUS EXOSTOSES; Hereditary multiple exostoses; Hereditary multiple exostosis; Multiple osteochondromas; Hereditary multiple osteochondromas; Multiple exostoses. Identifiers: Orphanet 321, MedGen C0015306, MONDO:0005508, HP:0002762.

Submission:

Labcorp Genetics (formerly Invitae), Labcorp
Classification: Pathogenic for Multiple congenital exostosis. Last evaluated: 2019-11-20. Review status: criteria provided, single submitter. Criteria: Invitae Variant Classification Sherloc (09022015). Collection method: clinical testing. Allele origin: germline.
Comment: This sequence change creates a premature translational stop signal (p.Gln70*) in the EXT1 gene. It is expected to result in an absent or disrupted protein product. This variant is not present in population databases (ExAC no frequency). This variant has been observed in individual(s) with multiple osteochondromas (PMID: 23439489, Invitae). Loss-of-function variants in EXT1 are known to be pathogenic (PMID: 10679937, 11391482, 19810120). For these reasons, this variant has been classified as Pathogenic.

Literature cited by the submitters: PubMed 23439489; PubMed 10679937; PubMed 11391482; PubMed 19810120.